The following is an entry in ClinVar:

ClinVar aggregate classification (germline): Uncertain significance (1 of 4 stars; one submission).

Conditions:
ABCC12-related condition.

gnomAD v4.1: 42 of 1,613,944 alleles (0.0026%); highest among the groups gnomAD compares: East Asian, 0.011%; no homozygotes.

Submission:

PreventionGenetics, part of Exact Sciences
Classification: Uncertain significance for ABCC12-related condition. Last evaluated: 2026-07-14. Review status: criteria provided, single submitter. Criteria: ACMG Guidelines, 2015. Collection method: clinical testing. Allele origin: germline.
Comment: The ABCC12 c.3211C>T variant is predicted to result in premature protein termination (p.Gln1071*). To our knowledge, this variant has not been reported in the literature. This variant is reported in 0.060% of alleles in individuals of Ashkenazi Jewish descent in gnomAD. Loss of function is not an established mechanism of ABCC12-related disease. At this time, the clinical significance of this variant is uncertain due to the absence of conclusive functional and genetic evidence.

NM_001393797.1(ABCC12):c.3211C>T (p.Gln1071Ter)

Gene: ABCC12 (ATP binding cassette subfamily C member 12; minus strand). Cytogenetic location: 16q12.1.
Variant type: single nucleotide variant.
Coding change: c.3211C>T on transcript NM_001393797.1 (MANE Select); coding-DNA position 3211, C replaced by T.
Protein change: p.Gln1071Ter; replaces glutamine 1071 with a stop codon.
Molecular consequence: nonsense. On other transcripts: 5 prime UTR variant (2), non-coding transcript variant (8).
Genome position (GRCh38, 1-based): chr16:48,091,194, G>A on the plus strand (C>T on the coding strand, the complement: ABCC12 is on the minus strand). VCF-style: chr16-48091194-G-A. GRCh37 (hg19) VCF-style: chr16-48125105-G-A.
Other names: c.-168C>T (NM_001393798.1, NM_001393799.1); c.3211C>T, p.Gln1071Ter (NM_033226.3); short protein forms Q1071*.
Identifiers: ClinVar variation 4986338 (VCV004986338.1).